The following is an entry in ClinVar:

ClinVar aggregate classification (germline): Uncertain significance. Review status: criteria provided, multiple submitters, no conflicts (2 of 4 stars). 2 submissions from 2 submitters: Uncertain significance (2). Last evaluated 2022-08-09.

Conditions:
Autoinflammatory syndrome. Identifiers: Orphanet 93665, MedGen C3890737, MONDO:0019751.
Psoriasis 2. Identifiers: MedGen C1864497, MONDO:0011269, OMIM 602723.
Pityriasis rubra pilaris (PRP). Also called: Pityriasis rubra pilaris--familial type. Identifiers: Orphanet 2897, MedGen C0032027, MONDO:0100017, OMIM 173200, MONDO:0008251.

Allele frequency attached by ClinVar (database versions not stated): gnomAD exomes below 0.00001.
gnomAD v4.1: 3 of 1,584,964 alleles (0.00019%); highest among the groups gnomAD compares: Non-Finnish European, 0.00026%; no homozygotes.

Submissions (2):

Labcorp Genetics (formerly Invitae), Labcorp
Classification: Uncertain significance for Pityriasis rubra pilaris; Psoriasis 2. Last evaluated: 2022-08-09. Review status: criteria provided, single submitter. Criteria: Invitae Variant Classification Sherloc (09022015). Collection method: clinical testing. Allele origin: germline.
Comment: In summary, the available evidence is currently insufficient to determine the role of this variant in disease. Therefore, it has been classified as a Variant of Uncertain Significance. Algorithms developed to predict the effect of sequence changes on RNA splicing suggest that this variant may create or strengthen a splice site. Algorithms developed to predict the effect of missense changes on protein structure and function output the following: SIFT: "Tolerated"; PolyPhen-2: "Benign"; Align-GVGD: "Class C0". The cysteine amino acid residue is found in multiple mammalian species, which suggests that this missense change does not adversely affect protein function. ClinVar contains an entry for this variant (Variation ID: 1374882). This variant has not been reported in the literature in individuals affected with CARD14-related conditions. The frequency data for this variant in the population databases is considered unreliable, as metrics indicate poor data quality at this position in the gnomAD database. This sequence change replaces tyrosine, which is neutral and polar, with cysteine, which is neutral and slightly polar, at codon 864 of the CARD14 protein (p.Tyr864Cys).

Genome Diagnostics Laboratory, The Hospital for Sick Children
Classification: Uncertain significance for Autoinflammatory syndrome. Last evaluated: 2021-12-06. Review status: criteria provided, single submitter. Criteria: ACMG Guidelines, 2015. Collection method: clinical testing. Allele origin: germline. Affected: yes.

NM_001366385.1(CARD14):c.2591A>G (p.Tyr864Cys)

Genes: SGSH (N-sulfoglucosamine sulfohydrolase; minus strand), CARD14 (caspase recruitment domain family member 14; plus strand), LOC126862662 (MED14-independent group 3 enhancer GRCh37_chr17:78178385-78179584; plus strand). Cytogenetic location: 17q25.3.
Variant type: single nucleotide variant.
Coding change: c.2591A>G on transcript NM_001366385.1 (MANE Select); coding-DNA position 2591, A replaced by G.
Protein change: p.Tyr864Cys; replaces tyrosine 864 with cysteine.
Molecular consequence: missense variant. On other transcripts: non-coding transcript variant (1).
Genome position (GRCh38, 1-based): chr17:80,205,552, A>G. VCF-style: chr17-80205552-A-G. GRCh37 (hg19) VCF-style: chr17-78179351-A-G.
Other names: c.2591A>G, p.Tyr864Cys (NM_024110.4); short protein forms Y864C.
Identifiers: ClinVar variation 1374882 (VCV001374882.9), dbSNP rs1196800518, ClinGen allele CA401356284.